The following is an entry in ClinVar:

NM_005862.3(STAG1):c.2423C>T (p.Thr808Ile)

Gene: STAG1 (STAG1 cohesin complex component; minus strand). Cytogenetic location: 3q22.3.
Variant type: single nucleotide variant.
Coding change: c.2423C>T on transcript NM_005862.3 (MANE Select); coding-DNA position 2423, C replaced by T.
Protein change: p.Thr808Ile; replaces threonine 808 with isoleucine.
Molecular consequence: missense variant.
Genome position (GRCh38, 1-based): chr3:136,369,230, G>A on the plus strand (C>T on the coding strand, the complement: STAG1 is on the minus strand). VCF-style: chr3-136369230-G-A. GRCh37 (hg19) VCF-style: chr3-136088072-G-A.
Other names: short protein forms T808I.
Identifiers: ClinVar variation 2637558 (VCV002637558.1), dbSNP rs1937198440, ClinGen allele CA354647831.
Genomic context (GRCh38, chr3:136,369,230, plus strand): 5'-TCAGATTGGAGTCCAGTATCTGGATTGAACACCAAAGGCTGAAGGCCCTCTCTGCCACCT[G>A]TCATTAATTGGTGGCTGAAAATCATCAGAAGATCACAGAGTAACATGAAAGCCTGGAATA-3'
Protein context (NP_005853.2, residues 798-818): LLMIFSHQLM[Thr808Ile]GGREGLQPLV

ClinVar aggregate classification (germline): Uncertain significance (1 of 4 stars; one submission).

Allele frequency attached by ClinVar (database versions not stated): gnomAD exomes below 0.00001; TOPMed below 0.00001.
gnomAD v4.1: 1 of 1,603,268 alleles (0.000062%); highest among the groups gnomAD compares: Non-Finnish European, 0.000085%; no homozygotes.

Submission:

Women's Health and Genetics/Laboratory Corporation of America, LabCorp
Classification: Uncertain significance. Last evaluated: 2023-10-30. Review status: criteria provided, single submitter. Criteria: LabCorp Variant Classification Summary - May 2015. Collection method: clinical testing. Allele origin: germline.
Comment: Variant summary: STAG1 c.2423C>T (p.Thr808Ile) results in a non-conservative amino acid change in the encoded protein sequence. Three of five in-silico tools predict a benign effect of the variant on protein function. The variant was absent in 238624 control chromosomes. The available data on variant occurrences in the general population are insufficient to allow any conclusion about variant significance. To our knowledge, no occurrence of c.2423C>T in individuals affected with Mental Retardation, Autosomal Dominant 47 and no experimental evidence demonstrating its impact on protein function have been reported. No submitters have cited clinical-significance assessments for this variant to ClinVar after 2014. Based on the evidence outlined above, the variant was classified as uncertain significance.